The following is an entry in ClinVar:

ClinVar aggregate classification (germline): Likely benign. Review status: criteria provided, multiple submitters, no conflicts (2 of 4 stars). 3 submissions from 3 submitters: Likely benign (3). Last evaluated 2024-03-05.

Conditions:
Loeys-Dietz syndrome (LDS). Identifiers: Orphanet 60030, MedGen C2697932, MONDO:0018954.
Familial thoracic aortic aneurysm and aortic dissection (TAAD). Also called: Thoracic aortic aneurysms and dissections. Identifiers: Orphanet 91387, MedGen C4707243, MONDO:0019625.

Allele frequency attached by ClinVar (database versions not stated): gnomAD exomes below 0.00001.
gnomAD v4.1: 1 of 1,613,950 alleles (0.000062%); highest among the groups gnomAD compares: Non-Finnish European, 0.000085%; no homozygotes.

Submissions (3):

All of Us Research Program, National Institutes of Health
Classification: Likely benign for Loeys-Dietz syndrome. Last evaluated: 2024-03-05. Review status: criteria provided, single submitter. Criteria: ACMG Guidelines, 2015. Collection method: clinical testing. Allele origin: germline. Inheritance: Autosomal dominant inheritance. Observed: 1 variant allele, 1 heterozygote.
Comment: This study involves interpretation of variants in research participants for the purpose of population health screening. Participant phenotype was not available at the time of variant classification. Additional details can be found in publication PMID: 35346344, PMCID: PMC8962531

Labcorp Genetics (formerly Invitae), Labcorp
Classification: Likely benign for Familial thoracic aortic aneurysm and aortic dissection. Last evaluated: 2024-01-14. Review status: criteria provided, single submitter. Criteria: Invitae Variant Classification Sherloc (09022015). Collection method: clinical testing. Allele origin: germline.

Color Diagnostics, LLC DBA Color Health
Classification: Likely benign for Familial thoracic aortic aneurysm and aortic dissection. Last evaluated: 2022-03-23. Review status: criteria provided, single submitter. Criteria: ACMG Guidelines, 2015. Collection method: clinical testing. Allele origin: germline.

NM_004612.4(TGFBR1):c.159C>T (p.Leu53=)

Gene: TGFBR1 (transforming growth factor beta receptor 1; plus strand). Cytogenetic location: 9q22.33.
Variant type: single nucleotide variant.
Coding change: c.159C>T on transcript NM_004612.4 (MANE Select); coding-DNA position 159, C replaced by T.
Protein change: p.Leu53=; no amino-acid change (leucine 53 retained).
Molecular consequence: synonymous variant. On other transcripts: 5 prime UTR variant (15), non-coding transcript variant (4), intron variant (3).
Genome position (GRCh38, 1-based): chr9:99,128,916, C>T. VCF-style: chr9-99128916-C-T. GRCh37 (hg19) VCF-style: chr9-101891198-C-T.
Other names: c.159C>T, p.Leu53= (NM_001130916.3, NM_001306210.2, NM_001407416.1 and 2 more transcripts); c.-49C>T (NM_001407418.1, NM_001407419.1, NM_001407420.1 and 12 more transcripts); c.98-3593C>T (NM_001407436.1); c.98-8943C>T (NM_001407438.1); c.98-13620C>T (NM_001407437.1).
Identifiers: ClinVar variation 2774548 (VCV002774548.6), dbSNP rs2490105752, ClinGen allele CA466648223.